The following is an entry in ClinVar:

ClinVar aggregate classification (germline): Uncertain significance (1 of 4 stars; one submission).

Conditions:
Hyperprolinemia type 2 (HYRPRO2). Also called: Deficiency of pyrroline-5-carboxylate reductase; Delta-1-pyrroline-5-carboxylate dehydrogenase deficiency; 1-PYRROLINE-5-CARBOXYLATE DEHYDROGENASE DEFICIENCY. Identifiers: Orphanet 79101, MedGen C2931835, MONDO:0009401, OMIM 239510.

Submission:

Labcorp Genetics (formerly Invitae), Labcorp
Classification: Uncertain significance for Hyperprolinemia type 2. Last evaluated: 2018-07-30. Review status: criteria provided, single submitter. Criteria: Invitae Variant Classification Sherloc (09022015). Collection method: clinical testing. Allele origin: germline.
Comment: In summary, the available evidence is currently insufficient to determine the role of this variant in disease. Therefore, it has been classified as a Variant of Uncertain Significance. This variant has not been reported in the literature in individuals with ALDH4A1-related disease. This variant results in a copy number gain of the genomic region encompassing exons 10-15 of the ALDH4A1 gene. The 5' boundary is likely confined to intron 9. The 3' end of this event is unknown as it extends beyond the assayed region for this gene and therefore may encompass additional genes. As the precise location of this event is unknown, it may be in tandem or it may be located elsewhere in the genome.

NC_000001.10:g.(?_19199319)_(19204126_?)dup

Genes: ALDH4A1 (aldehyde dehydrogenase 4 family member A1; minus strand), LOC120893116 (Sharpr-MPRA regulatory region 7483; plus strand). Cytogenetic location: 1p36.13.
Variant type: Duplication.
Identifiers: ClinVar variation 656833 (VCV000656833.7).